The following is an entry in ClinVar:

ClinVar aggregate classification (germline): Uncertain significance (1 of 4 stars; one submission).

Allele frequency attached by ClinVar (database versions not stated): gnomAD 0.00001; TOPMed 0.00001.
gnomAD v4.1: 5 of 1,613,868 alleles (0.00031%); highest among the groups gnomAD compares: Non-Finnish European, 0.00042%; no homozygotes.

Submission:

Labcorp Genetics (formerly Invitae), Labcorp
Classification: Uncertain significance. Last evaluated: 2022-08-05. Review status: criteria provided, single submitter. Criteria: Invitae Variant Classification Sherloc (09022015). Collection method: clinical testing. Allele origin: germline.
Comment: This sequence change replaces glycine, which is neutral and non-polar, with arginine, which is basic and polar, at codon 249 of the EIF2AK3 protein (p.Gly249Arg). This variant is present in population databases (no rsID available, gnomAD 0.0009%). This variant has not been reported in the literature in individuals affected with EIF2AK3-related conditions. Algorithms developed to predict the effect of missense changes on protein structure and function (SIFT, PolyPhen-2, Align-GVGD) all suggest that this variant is likely to be tolerated. In summary, the available evidence is currently insufficient to determine the role of this variant in disease. Therefore, it has been classified as a Variant of Uncertain Significance.

NM_004836.7(EIF2AK3):c.745G>A (p.Gly249Arg)

Gene: EIF2AK3 (eukaryotic translation initiation factor 2 alpha kinase 3; minus strand). Cytogenetic location: 2p11.2.
Variant type: single nucleotide variant.
Coding change: c.745G>A on transcript NM_004836.7 (MANE Select); coding-DNA position 745, G replaced by A.
Protein change: p.Gly249Arg; replaces glycine 249 with arginine.
Molecular consequence: missense variant.
Genome position (GRCh38, 1-based): chr2:88,593,294, C>T on the plus strand (G>A on the coding strand, the complement: EIF2AK3 is on the minus strand). VCF-style: chr2-88593294-C-T. GRCh37 (hg19) VCF-style: chr2-88892812-C-T.
Other names: c.292G>A, p.Gly98Arg (NM_001313915.2); short protein forms G249R, G98R.
Identifiers: ClinVar variation 1961363 (VCV001961363.2), dbSNP rs1255725028, ClinGen allele CA347596321.
Genomic context (GRCh38, chr2:88,593,294, plus strand): 5'-CTAAATAATACCAACAGCAACATTATCTGAATACACACTTCTCATTGCCACTGCGAGGTC[C>T]GACAGCTCTAACAGTTTTTTGGGTACGCTGTAGAAGCAGGATGTCTTCCTCTTGTTCCAT-3'
Protein context (NP_004827.4, residues 239-259): QRTQKTVRAV[Gly249Arg]PRSGNEKWNF